The following is an entry in ClinVar:

ClinVar aggregate classification (germline): Pathogenic (1 of 4 stars; one submission).

Submission:

CeGaT Center for Human Genetics Tuebingen
Classification: Pathogenic. Last evaluated: 2022-12-01. Review status: criteria provided, single submitter. Criteria: CeGaT Center For Human Genetics Tuebingen Variant Classification Criteria Version 2. Collection method: clinical testing. Allele origin: germline. Affected: yes. Observed: 1 variant allele.
Comment: PKP2: PVS1, PM2

NM_001005242.3(PKP2):c.973_976dup (p.Ala326fs)

Gene: PKP2 (plakophilin 2; minus strand). Cytogenetic location: 12p11.21.
Variant type: Duplication.
Coding change: c.973_976dup on transcript NM_001005242.3 (MANE Select); coding-DNA positions 973 to 976, 4 bases duplicated (GCCG; older notation c.973_976dupGCCG).
Protein change: p.Ala326fs; shifts the reading frame from alanine 326.
Molecular consequence: frameshift variant.
Genome position (GRCh38, 1-based): chr12:32,877,904-32,877,907, CGGC duplicated on the plus strand (GCCG on the coding strand, the reverse complement: PKP2 is on the minus strand); duplicating any 4 consecutive bases within chr12:32,877,904-32,877,909 gives the same sequence; the c. name uses the placement nearest the transcript's 3' end. VCF-style (leftmost placement, unchanged base first): chr12-32877903-G-GCGGC. GRCh37 (hg19) VCF-style: chr12-33030837-G-GCGGC.
Other names: c.971_974dup, p.Ala326Glyfs (NM_001407155.1, NM_001407156.1, NM_001407157.1 and 1 more transcripts); c.644_647dup, p.Ala217Glyfs (NM_001407158.1, NM_001407159.1, NM_001407160.1 and 1 more transcripts); c.973_976dup, p.Ala326fs (NM_004572.4); short protein forms A326fs.
Identifiers: ClinVar variation 1879228 (VCV001879228.29), dbSNP rs2541338166, ClinGen allele CA2580085412.
Genomic context (GRCh38, chr12:32,877,903, plus strand): 5'-TACCCCAGCTGGGAGTCAGTGAAAGTGCTTCTCTCAGTGAGCAGATTCCCACTTCCCCCT[G>GCGGC]CGGCCGCCTGGCCGACAGTCAAGTGCGCTCTCCTCCCGCTGGAATCCACGGCGACACTGG-3'